The following is an entry in ClinVar:

NG_012059.2:g.1_302925del

Genes: ATG4A (autophagy related 4A cysteine peptidase; plus strand), COL4A6 (collagen type IV alpha 6 chain; minus strand), COL4A5 (collagen type IV alpha 5 chain; plus strand), LOC126863300 (BRD4-independent group 4 enhancer GRCh37_chrX:107513459-107514658; plus strand). Cytogenetic location: Xq22.3.
Variant type: Deletion.
Other names: Exon 1-45 deletion.
Identifiers: ClinVar variation 599250 (VCV000599250.2).

ClinVar aggregate classification (germline): Likely pathogenic (0 of 4 stars; one submission).

Conditions:
X-linked Alport syndrome (ATS1). Also called: NEPHROPATHY AND DEAFNESS, X-LINKED; COL4A5-Related Nephropathy. Identifiers: Orphanet 63, Orphanet 88917, MedGen C4746986, MONDO:0010520, OMIM 301050.

Submission:

Foundation for Research in Genetics and Endocrinology, FRIGE's Institute of Human Genetics
Classification: Likely pathogenic for X-linked Alport syndrome. Last evaluated: 2018-10-08. Review status: no assertion criteria provided. Collection method: clinical testing. Allele origin: maternal. Inheritance: X-linked inheritance. Affected: yes. Observed: 1 hemizygote.
Comment: The observed COL4A6 deletion was not observed in the 1000 Genomes and ExAC databases. The in silico prediction of given variant is damaging by MutationTaster2. COL4A6 deletion was observed along with COL4A5 deletion causing hemizygous contiguous gene deletion.